The following is an entry in ClinVar:

NM_005619.5(RTN2):c.1143G>A (p.Ala381=)

Genes: OPA3-RTN2 (OPA3-RTN2 readthrough; minus strand), RTN2 (reticulon 2; minus strand). Cytogenetic location: 19q13.32.
Variant type: single nucleotide variant.
Coding change: c.1143G>A on transcript NM_005619.5 (MANE Select); coding-DNA position 1143, G replaced by A.
Protein change: p.Ala381=; no amino-acid change (alanine 381 retained).
Molecular consequence: synonymous variant.
Genome position (GRCh38, 1-based): chr19:45,489,444, C>T on the plus strand (G>A on the coding strand, the complement: RTN2 is on the minus strand). VCF-style: chr19-45489444-C-T. GRCh37 (hg19) VCF-style: chr19-45992702-C-T.
Other names: p.Ala381=; c.924G>A, p.Ala308= (NM_206900.3); c.123G>A, p.Ala41= (NM_206901.3).
Identifiers: ClinVar variation 240192 (VCV000240192.51), dbSNP rs45532933, ClinGen allele CA9516071.
Genomic context (GRCh38, chr19:45,489,444, plus strand): 5'-CAGCACTTTGCGGTAAACCCTGAGAGAGATGGTGCCGCAGAGCAGCAACAGAGCCAAGTG[C>T]GCGGCCACGGACACGATGCTAAAGTGCAGGAGGCAGAGGAGGGAGACCATCAGGCCTGTG-3'
Protein context (NP_005610.1, residues 371-391): LLHFSIVSVA[Ala381=]HLALLLLCGT

ClinVar aggregate classification (germline): Benign/Likely benign. Review status: criteria provided, multiple submitters, no conflicts (2 of 4 stars). 8 submissions from 8 submitters: Benign (5); Likely benign (1). 2 of the submissions do not count toward it. Last evaluated 2026-09-01.

Conditions:
Hereditary spastic paraplegia. Also called: Familial spastic paraparesis. Identifiers: Orphanet 685, MedGen C0037773, MONDO:0019064. Disease mechanism: loss of function.
Spastic paraplegia. Identifiers: MedGen C0037772, HP:0001258.

Allele frequency attached by ClinVar (database versions not stated): 1000 Genomes Project 30x 0.00156; 1000 Genomes Project 0.00180; TOPMed 0.00437; ESP Exome Variant Server 0.00508; gnomAD 0.00546 and 0.00572; gnomAD exomes 0.00566 and 0.00668; ExAC 0.00963.
gnomAD v4.1: 9,051 of 1,611,386 alleles (0.56%); highest among the groups gnomAD compares: Non-Finnish European, 0.59%; 42 homozygotes.

Submissions (8):

CeGaT Center for Human Genetics Tuebingen
Classification: Likely benign. Last evaluated: 2026-09-01. Review status: criteria provided, single submitter. Criteria: CeGaT Center For Human Genetics Tuebingen Variant Classification Criteria Version 2. Collection method: clinical testing. Allele origin: germline. Affected: yes. Observed: 17 variant alleles.
Comment: RTN2: BP4, BP7, BS2

Labcorp Genetics (formerly Invitae), Labcorp
Classification: Benign for Spastic paraplegia. Last evaluated: 2026-01-19. Review status: criteria provided, single submitter. Criteria: Invitae Variant Classification Sherloc (09022015). Collection method: clinical testing. Allele origin: germline.

Athena Diagnostics
Classification: Benign. Last evaluated: 2024-07-11. Review status: criteria provided, single submitter. Criteria: Athena Diagnostics Criteria. Collection method: clinical testing. Allele origin: unknown.

Genome Diagnostics Laboratory, The Hospital for Sick Children
Classification: Benign for Hereditary spastic paraplegia. Last evaluated: 2021-04-01. Review status: criteria provided, single submitter. Criteria: ACMG Guidelines, 2015. Collection method: clinical testing. Allele origin: germline. Affected: yes.

GeneDx
Classification: Benign. Last evaluated: 2017-08-29. Review status: criteria provided, single submitter. Criteria: GeneDx Variant Classification (06012015). Collection method: clinical testing. Allele origin: germline. Affected: yes.
Comment: This variant is considered likely benign or benign based on one or more of the following criteria: it is a conservative change, it occurs at a poorly conserved position in the protein, it is predicted to be benign by multiple in silico algorithms, and/or has population frequency not consistent with disease.

Mayo Clinic Laboratories, Mayo Clinic
Classification: Benign. Last evaluated: 2016-06-09. Review status: criteria provided, single submitter. Criteria: ACMG Guidelines, 2015. Collection method: clinical testing. Allele origin: germline. Observed: 16 variant alleles.

Clinical Genetics DNA and cytogenetics Diagnostics Lab, Erasmus MC, Erasmus Medical Center
Classification: Benign. Review status: no assertion criteria provided. Collection method: clinical testing. Allele origin: germline. Affected: yes. Study: VKGL Data-share Consensus. Not counted in ClinVar's aggregate classification.

Joint Genome Diagnostic Labs from Nijmegen and Maastricht, Radboudumc and MUMC+
Classification: Benign. Review status: no assertion criteria provided. Collection method: clinical testing. Allele origin: germline. Affected: yes. Study: VKGL Data-share Consensus. Not counted in ClinVar's aggregate classification.